The following is an entry in ClinVar:

NM_001040142.2(SCN2A):c.1589A>G (p.Asp530Gly)

Gene: SCN2A (sodium voltage-gated channel alpha subunit 2; plus strand). Cytogenetic location: 2q24.3.
Variant type: single nucleotide variant.
Coding change: c.1589A>G on transcript NM_001040142.2 (MANE Select); coding-DNA position 1589, A replaced by G.
Protein change: p.Asp530Gly; replaces aspartic acid 530 with glycine.
Molecular consequence: missense variant.
Genome position (GRCh38, 1-based): chr2:165,315,676, A>G. VCF-style: chr2-165315676-A-G. GRCh37 (hg19) VCF-style: chr2-166172186-A-G.
Other names: c.1589A>G, p.Asp530Gly (NM_001040143.2, NM_001371246.1, NM_001371247.1 and 1 more transcripts); short protein forms D530G.
Identifiers: ClinVar variation 2430949 (VCV002430949.4), dbSNP rs2467909069, ClinGen allele CA349023743.

ClinVar aggregate classification (germline): Uncertain significance. Review status: criteria provided, multiple submitters, no conflicts (2 of 4 stars). 2 submissions from 2 submitters: Uncertain significance (2). Last evaluated 2023-03-20.

Conditions:
Seizures, benign familial infantile, 3 (BFIS3). Also called: Familial neonatal seizures; CONVULSIONS, BENIGN FAMILIAL INFANTILE, 3. Identifiers: Orphanet 140927, Orphanet 306, MedGen C1843140, MONDO:0011904, OMIM 607745.
Developmental and epileptic encephalopathy, 11 (DEE11). Also called: Early infantile epileptic encephalopathy 11. Identifiers: Orphanet 1934, MedGen C3150987, MONDO:0013388, OMIM 613721.

Submissions (2):

Labcorp Genetics (formerly Invitae), Labcorp
Classification: Uncertain significance for Seizures, benign familial infantile, 3; Developmental and epileptic encephalopathy, 11. Last evaluated: 2023-03-20. Review status: criteria provided, single submitter. Criteria: Invitae Variant Classification Sherloc (09022015). Collection method: clinical testing. Allele origin: germline.
Comment: In summary, the available evidence is currently insufficient to determine the role of this variant in disease. Therefore, it has been classified as a Variant of Uncertain Significance. Advanced modeling of protein sequence and biophysical properties (such as structural, functional, and spatial information, amino acid conservation, physicochemical variation, residue mobility, and thermodynamic stability) performed at Invitae indicates that this missense variant is not expected to disrupt SCN2A protein function. ClinVar contains an entry for this variant (Variation ID: 2430949). This variant has not been reported in the literature in individuals affected with SCN2A-related conditions. This variant is not present in population databases (gnomAD no frequency). This sequence change replaces aspartic acid, which is acidic and polar, with glycine, which is neutral and non-polar, at codon 530 of the SCN2A protein (p.Asp530Gly).

GeneDx
Classification: Uncertain significance. Last evaluated: 2022-08-26. Review status: criteria provided, single submitter. Criteria: GeneDx Variant Classification Process June 2021. Collection method: clinical testing. Allele origin: germline. Affected: yes.
Comment: Not observed at significant frequency in large population cohorts (gnomAD); Missense variants in this gene are often considered pathogenic (HGMD); In silico analysis supports that this missense variant has a deleterious effect on protein structure/function; Has not been previously published as pathogenic or benign to our knowledge; This substitution is predicted to be in the cytoplasmic loop between first and second homologous domains